The following is an entry in ClinVar:

NM_001376.5(DYNC1H1):c.7213G>A (p.Gly2405Arg)

Gene: DYNC1H1 (dynein cytoplasmic 1 heavy chain 1; plus strand). Cytogenetic location: 14q32.31.
Variant type: single nucleotide variant.
Coding change: c.7213G>A on transcript NM_001376.5 (MANE Select); coding-DNA position 7213, G replaced by A.
Protein change: p.Gly2405Arg; replaces glycine 2405 with arginine.
Molecular consequence: missense variant.
Genome position (GRCh38, 1-based): chr14:102,015,303, G>A. VCF-style: chr14-102015303-G-A. GRCh37 (hg19) VCF-style: chr14-102481640-G-A.
Other names: short protein forms G2405R.
Identifiers: ClinVar variation 1699281 (VCV001699281.3), dbSNP rs2152581608, ClinGen allele CA391060448.

ClinVar aggregate classification (germline): Uncertain significance (1 of 4 stars; one submission).

Conditions:
Charcot-Marie-Tooth disease axonal type 2O. Also called: CHARCOT-MARIE-TOOTH NEUROPATHY, AXONAL, TYPE 2O; CHARCOT-MARIE-TOOTH DISEASE, AXONAL, AUTOSOMAL DOMINANT, TYPE 2O; Charcot-Marie-Tooth Neuropathy Type 2O; Charcot-Marie-Tooth disease, axonal, type 20. Identifiers: Orphanet 284232, MedGen C3280220, MONDO:0013644, OMIM 614228.

Submission:

Victorian Clinical Genetics Services, Murdoch Childrens Research Institute
Classification: Uncertain significance for Charcot-Marie-Tooth disease axonal type 2O. Last evaluated: 2022-06-24. Review status: criteria provided, single submitter. Criteria: ACMG Guidelines, 2015. Collection method: clinical testing. Allele origin: germline. Inheritance: Autosomal dominant inheritance. Affected: yes.
Comment: Based on the classification scheme VCGS_Germline_v1.3.4, this variant is classified as VUS-3B. Following criteria are met: 0103 - Loss of function and gain of function are known mechanisms of disease in this gene and are associated with spinal muscular atrophy, lower extremity-predominant 1 (MIM#158600), intellectual disability (MIM#614563) and Charcot-Marie-Tooth disease, axonal, type 20 (MIM#614228). While there is no clear genotype-phenotype correlation, there is some association between the severity of the variant on protein function and the phenotype that is manifested (PMIDs: 25512093, 28196890). (I) 0107 - This gene is associated with autosomal dominant disease. (I) 0115 - Variants in this gene are known to have variable expressivity (PMID: 25512093). (I) 0200 - Variant is predicted to result in a missense amino acid change from glycine to arginine. (I) 0251 - This variant is heterozygous. (I) 0301 - Variant is absent from gnomAD (both v2 and v3). (SP) 0309 - An alternative amino acid change at the same position has been observed in gnomAD (v3) (1 heterozygote, 0 homozygotes). (I) 0502 - Missense variant with benign in silico predictions and high conservation. (I) 0604 - Variant is not located in an established domain, motif, hotspot or informative constraint region. (I) 0710 - Another missense variant comparable to the one identified in this case has inconclusive previous evidence for pathogenicity. p.(Gly1405Glu) has been classified as a VUS by a clinical laboratory in ClinVar. (I) 0807 - This variant has no previous evidence of pathogenicity. (I) 0905 - No published segregation evidence has been identified for this variant. (I) 1007 - No published functional evidence has been identified for this variant. (I) 1208 - Inheritance information for this variant is not currently available in this individual. (I) Legend: (SP) - Supporting pathogenic, (I) - Information, (SB) - Supporting benign

Literature cited by the submitters: PubMed 25512093; PubMed 28196890.